The following is an entry in ClinVar:

NM_007294.4(BRCA1):c.4886A>G (p.Glu1629Gly)

Gene: BRCA1 (BRCA1 DNA repair associated; minus strand). Cytogenetic location: 17q21.31.
Variant type: single nucleotide variant.
Coding change: c.4886A>G on transcript NM_007294.4 (MANE Select); coding-DNA position 4886, A replaced by G.
Protein change: p.Glu1629Gly; replaces glutamic acid 1629 with glycine.
Molecular consequence: missense variant. On other transcripts: non-coding transcript variant (1).
Genome position (GRCh38, 1-based): chr17:43,071,028, T>C on the plus strand (A>G on the coding strand, the complement: BRCA1 is on the minus strand). VCF-style: chr17-43071028-T-C. GRCh37 (hg19) VCF-style: chr17-41223045-T-C.
Other names: c.1574A>G, p.Glu525Gly (NM_001407981.1, NM_001407982.1, NM_001407983.1 and 13 more transcripts); c.1571A>G, p.Glu524Gly (NM_001408402.1, NM_001408403.1, NM_001408404.1 and 8 more transcripts); c.1568A>G, p.Glu523Gly (NM_001408406.1, NM_001408407.1, NM_001408408.1); c.1565A>G, p.Glu522Gly (NM_001408409.1); c.1502A>G, p.Glu501Gly (NM_001408410.1); c.1499A>G, p.Glu500Gly (NM_001408411.1); c.1496A>G, p.Glu499Gly (NM_001408412.1, NM_001408413.1, NM_001408414.1 and 2 more transcripts); c.1457A>G, p.Glu486Gly (NM_001408423.1, NM_001408424.1, NM_001408421.1 and 1 more transcripts); and 70 more; short protein forms E1650G, E1582G, E525G, E1629G, E1332G, E1460G, E1517G, E1518G.
Identifiers: ClinVar variation 1520029 (VCV001520029.9), dbSNP rs2153824923, ClinGen allele CA10591755.

ClinVar aggregate classification (germline): Uncertain significance. Review status: criteria provided, multiple submitters, no conflicts (2 of 4 stars). 3 submissions from 3 submitters: Uncertain significance (3). Last evaluated 2025-07-17.

Conditions:
Hereditary cancer-predisposing syndrome. Also called: Hereditary neoplastic syndrome; Hereditary Cancer Syndrome; Tumor predisposition; Neoplastic Syndromes, Hereditary. Identifiers: Orphanet 140162, MedGen C0027672, MeSH D009386, MONDO:0015356.
Hereditary breast ovarian cancer syndrome. Also called: Hereditary breast and ovarian cancer syndrome; Hereditary breast and/or ovarian cancer syndrome; BRCA1- and BRCA2-Associated Hereditary Breast and Ovarian Cancer; Hereditary breast and ovarian cancer syndrome (HBOC); Breast and ovarian cancer; Hereditary breast and ovarian cancer. Identifiers: Orphanet 145, MedGen C0677776, MeSH D061325, MONDO:0003582. Disease mechanism: loss of function.

Submissions (3):

Ambry Genetics
Classification: Uncertain significance for Hereditary cancer-predisposing syndrome. Last evaluated: 2025-07-17. Review status: criteria provided, single submitter. Criteria: Ambry Variant Classification Scheme 2023. Collection method: clinical testing. Allele origin: germline.
Comment: The p.E1629G variant (also known as c.4886A>G), located in coding exon 14 of the BRCA1 gene, results from an A to G substitution at nucleotide position 4886. The glutamic acid at codon 1629 is replaced by glycine, an amino acid with similar properties. This amino acid position is well conserved in available vertebrate species. In addition, the in silico prediction for this alteration is inconclusive. Based on the available evidence, the clinical significance of this variant remains unclear.

Labcorp Genetics (formerly Invitae), Labcorp
Classification: Uncertain significance for Hereditary breast ovarian cancer syndrome. Last evaluated: 2021-09-18. Review status: criteria provided, single submitter. Criteria: Invitae Variant Classification Sherloc (09022015). Collection method: clinical testing. Allele origin: germline.
Comment: In summary, the available evidence is currently insufficient to determine the role of this variant in disease. Therefore, it has been classified as a Variant of Uncertain Significance. Advanced modeling of protein sequence and biophysical properties (such as structural, functional, and spatial information, amino acid conservation, physicochemical variation, residue mobility, and thermodynamic stability) performed at Invitae indicates that this missense variant is not expected to disrupt BRCA1 protein function. This variant has not been reported in the literature in individuals affected with BRCA1-related conditions. This variant is not present in population databases (ExAC no frequency). This sequence change replaces glutamic acid with glycine at codon 1629 of the BRCA1 protein (p.Glu1629Gly). The glutamic acid residue is moderately conserved and there is a moderate physicochemical difference between glutamic acid and glycine.

Quest Diagnostics Nichols Institute San Juan Capistrano
Classification: Uncertain significance. Last evaluated: 2021-06-16. Review status: criteria provided, single submitter. Criteria: Quest Diagnostics criteria. Collection method: clinical testing. Allele origin: unknown.